The following is an entry in ClinVar:

ClinVar aggregate classification (germline): Uncertain significance (1 of 4 stars; one submission).

Conditions:
Inborn genetic diseases. Identifiers: MedGen C0950123, MeSH D030342.

Submission:

Ambry Genetics
Classification: Uncertain significance for Inborn genetic diseases. Last evaluated: 2022-06-01. Review status: criteria provided, single submitter. Criteria: Ambry Variant Classification Scheme 2023. Collection method: clinical testing. Allele origin: germline.
Comment: The p.L264P variant (also known as c.791T>C), located in coding exon 7 of the EPAS1 gene, results from a T to C substitution at nucleotide position 791. The leucine at codon 264 is replaced by proline, an amino acid with similar properties. This amino acid position is conserved. In addition, this alteration is predicted to be deleterious by in silico analysis. Since supporting evidence is limited at this time, the clinical significance of this alteration remains unclear.

NM_001430.5(EPAS1):c.791T>C (p.Leu264Pro)

Gene: EPAS1 (endothelial PAS domain protein 1; plus strand). Cytogenetic location: 2p21.
Variant type: single nucleotide variant.
Coding change: c.791T>C on transcript NM_001430.5 (MANE Select); coding-DNA position 791, T replaced by C.
Protein change: p.Leu264Pro; replaces leucine 264 with proline.
Molecular consequence: missense variant.
Genome position (GRCh38, 1-based): chr2:46,369,838, T>C. VCF-style: chr2-46369838-T-C. GRCh37 (hg19) VCF-style: chr2-46596977-T-C.
Other names: short protein forms L264P.
Identifiers: ClinVar variation 1761228 (VCV001761228.2), dbSNP rs2546464154, ClinGen allele CA346701573.